The following is an entry in ClinVar:

ClinVar aggregate classification (germline): Likely pathogenic (1 of 4 stars; one submission).

Conditions:
Vertebral, cardiac, tracheoesophageal, renal, and limb defects. Also called: VCTERL SYNDROME. Identifiers: MedGen C5543189, MONDO:0030987, OMIM 619227.

Submission:

3billion
Classification: Likely pathogenic for Vertebral, cardiac, tracheoesophageal, renal, and limb defects. Last evaluated: 2024-06-14. Review status: criteria provided, single submitter. Criteria: ACMG Guidelines, 2015. Collection method: clinical testing. Allele origin: germline. Affected: yes.
Comment: The variant is not observed in the gnomAD v4.0.0 dataset. Predicted Consequence/Location: Canonical splice site: predicted to alter splicing and result in a loss or disruption of normal protein function. Multiple pathogenic loss-of-function variants are reported downstream of the variant. In silico tools predict the variant to alter splicing and produce an abnormal transcript [SpliceAI: 1.00 (spliceogenicity >=0.2, non-spliceogenicity <0.1)]. Therefore, this variant is classified as Likely pathogenic according to the recommendation of ACMG/AMP guideline.

NM_016312.3(WBP11):c.722-1G>C

Gene: WBP11 (WW domain binding protein 11; minus strand). Cytogenetic location: 12p12.3.
Variant type: single nucleotide variant.
Coding change: c.722-1G>C on transcript NM_016312.3 (MANE Select); the canonical splice acceptor site of the intron before coding-DNA position 722, G replaced by C.
Molecular consequence: splice acceptor variant.
Genome position (GRCh38, 1-based): chr12:14,793,923, C>G on the plus strand (G>C on the coding strand, the complement: WBP11 is on the minus strand). VCF-style: chr12-14793923-C-G. GRCh37 (hg19) VCF-style: chr12-14946857-C-G.
Identifiers: ClinVar variation 4292908 (VCV004292908.1).